The following is an entry in ClinVar:

NM_002907.4(RECQL):c.493A>T (p.Ser165Cys)

Gene: RECQL (RecQ like helicase; minus strand). Cytogenetic location: 12p12.1.
Variant type: single nucleotide variant.
Coding change: c.493A>T on transcript NM_002907.4 (MANE Select); coding-DNA position 493, A replaced by T.
Protein change: p.Ser165Cys; replaces serine 165 with cysteine.
Molecular consequence: missense variant.
Genome position (GRCh38, 1-based): chr12:21,486,487, T>A on the plus strand (A>T on the coding strand, the complement: RECQL is on the minus strand). VCF-style: chr12-21486487-T-A. GRCh37 (hg19) VCF-style: chr12-21639421-T-A.
Other names: c.493A>T, p.Ser165Cys (NM_032941.3); short protein forms S165C.
Identifiers: ClinVar variation 1040722 (VCV001040722.15), dbSNP rs73082680, ClinGen allele CA6479067.
Genomic context (GRCh38, chr12:21,486,487, plus strand): 5'-CCTATTTCAGTGAATAGTTTACATTAAAAAAAAAAAAGCCACTGAAACATACCTTAGAAC[T>A]AGAAGCATTTAACATGGTTGCTGAAATTCCTAATTGTTTTAAAACCATTAATTGGTCTTC-3'
Protein context (NP_002898.2, residues 155-175): GISATMLNAS[Ser165Cys]SKEHVKWVHA

ClinVar aggregate classification (germline): Uncertain significance. Review status: criteria provided, multiple submitters, no conflicts (2 of 4 stars). 5 submissions from 5 submitters: Uncertain significance (5). Last evaluated 2025-06-17.

Allele frequency attached by ClinVar (database versions not stated): gnomAD 0.00001 and 0.00002; TOPMed 0.00002; gnomAD exomes 0.00003 and 0.00004; ExAC 0.00005; 1000 Genomes Project 0.00020; 1000 Genomes Project 30x 0.00031.
gnomAD v4.1: 40 of 1,587,678 alleles (0.0025%); highest among the groups gnomAD compares: Non-Finnish European, 0.0033%; no homozygotes.

Submissions (5):

Ambry Genetics
Classification: Uncertain significance. Last evaluated: 2025-06-17. Review status: criteria provided, single submitter. Criteria: Ambry Variant Classification Scheme 2023. Collection method: clinical testing. Allele origin: germline.

Labcorp Genetics (formerly Invitae), Labcorp
Classification: Uncertain significance. Last evaluated: 2024-12-24. Review status: criteria provided, single submitter. Criteria: Invitae Variant Classification Sherloc (09022015). Collection method: clinical testing. Allele origin: germline.
Comment: This sequence change replaces serine, which is neutral and polar, with cysteine, which is neutral and slightly polar, at codon 165 of the RECQL protein (p.Ser165Cys). This variant is present in population databases (rs73082680, gnomAD 0.009%). This variant has not been reported in the literature in individuals affected with RECQL-related conditions. ClinVar contains an entry for this variant (Variation ID: 1040722). Invitae Evidence Modeling of protein sequence and biophysical properties (such as structural, functional, and spatial information, amino acid conservation, physicochemical variation, residue mobility, and thermodynamic stability) indicates that this missense variant is not expected to disrupt RECQL protein function with a negative predictive value of 80%. In summary, the available evidence is currently insufficient to determine the role of this variant in disease. Therefore, it has been classified as a Variant of Uncertain Significance.

Quest Diagnostics Nichols Institute San Juan Capistrano
Classification: Uncertain significance. Last evaluated: 2023-06-01. Review status: criteria provided, single submitter. Criteria: Quest Diagnostics criteria. Collection method: clinical testing. Allele origin: unknown.
Comment: In a large-scale breast cancer association study, the variant was observed in individuals with breast cancer as well as in unaffected individuals (PMID: 33471991 (2021), see also LOVD). The frequency of this variant in the general population, 0.000083 (9/108474 chromosomes (Genome Aggregation Database)), is uninformative in the assessment of its pathogenicity. Analysis of this variant using bioinformatics tools for the prediction of the effect of amino acid changes on protein structure and function yielded conflicting predictions that this variant is deleterious or benign. Based on the available information, we are unable to determine the clinical significance of this variant.

GeneDx
Classification: Uncertain significance. Last evaluated: 2022-11-29. Review status: criteria provided, single submitter. Criteria: GeneDx Variant Classification Process June 2021. Collection method: clinical testing. Allele origin: germline. Affected: yes.
Comment: In silico analysis supports that this missense variant has a deleterious effect on protein structure/function; Has not been previously published as pathogenic or benign to our knowledge; This variant is associated with the following publications: (PMID: 19151156, 27248010)

Breakthrough Genomics
Classification: Uncertain significance. Review status: criteria provided, single submitter. Criteria: ACMG Guidelines, 2015. Collection method: not provided. Allele origin: germline. Inheritance: Unknown mechanism. Affected: yes.

Literature cited by the submitters: PubMed 33471991 (cited by Quest Diagnostics Nichols Institute San Juan Capistrano).